The following is an entry in ClinVar:

ClinVar aggregate classification (germline): Benign/Likely benign. Review status: criteria provided, multiple submitters, no conflicts (2 of 4 stars). 19 submissions from 19 submitters: Benign (3); Likely benign (10). 6 of the submissions do not count toward it. Last evaluated 2026-02-04.

Conditions:
MSH6-related disorder. Also called: MSH6-related condition; MSH6-Related disorders.
Endometrial carcinoma. Also called: Endometrial carcinoma, somatic. Identifiers: MedGen C0476089, MONDO:0002447, OMIM 608089, HP:0012114.
Lynch syndrome 5 (LYNCH5). Also called: Hereditary non-polyposis colorectal cancer, type 5; Colorectal cancer, hereditary nonpolyposis, type 5. Identifiers: Orphanet 144, MedGen C1833477, MONDO:0013710, OMIM 614350. Disease mechanism: loss of function.
Mismatch repair cancer syndrome 3. Identifiers: MedGen C5436807, MONDO:0030841, OMIM 619097.
Hereditary nonpolyposis colorectal neoplasms. Identifiers: MedGen C0009405, MeSH D003123.
Breast and/or ovarian cancer. Identifiers: MedGen CN221562.
Hereditary cancer-predisposing syndrome. Also called: Tumor predisposition; Neoplastic Syndromes, Hereditary; Hereditary Cancer Syndrome; Hereditary neoplastic syndrome. Identifiers: Orphanet 140162, MedGen C0027672, MeSH D009386, MONDO:0015356.
Malignant tumor of breast. Also called: Malignant breast neoplasm; Cancer breast. Identifiers: MedGen C0006142, MONDO:0007254. Disease mechanism: loss of function.

Submissions (19):

Labcorp Genetics (formerly Invitae), Labcorp
Classification: Likely benign for Hereditary nonpolyposis colorectal neoplasms. Last evaluated: 2026-02-04. Review status: criteria provided, single submitter. Criteria: Invitae Variant Classification Sherloc (09022015). Collection method: clinical testing. Allele origin: germline.

ARUP Laboratories, Molecular Genetics and Genomics, ARUP Laboratories
Classification: Likely benign. Last evaluated: 2025-06-17. Review status: criteria provided, single submitter. Criteria: ARUP Molecular Germline Variant Investigation Process 2024. Collection method: clinical testing. Allele origin: germline.

Center for Genomic Medicine, Rigshospitalet, Copenhagen University Hospital
Classification: Likely benign. Last evaluated: 2025-03-04. Review status: criteria provided, single submitter. Criteria: ACMG Guidelines, 2015. Collection method: clinical testing. Allele origin: germline.

Blueprint Genetics
Classification: Likely benign. Last evaluated: 2024-09-05. Review status: criteria provided, single submitter. Criteria: ACMG Guidelines, 2015. Collection method: clinical testing. Allele origin: germline.

CHEO Genetics Diagnostic Laboratory, Children's Hospital of Eastern Ontario
Classification: Likely benign for Breast and/or ovarian cancer. Last evaluated: 2023-05-19. Review status: criteria provided, single submitter. Criteria: ACMG Guidelines, 2015. Collection method: clinical testing. Allele origin: germline.

Institute for Biomarker Research, Medical Diagnostic Laboratories, L.L.C.
Classification: Benign for Hereditary cancer-predisposing syndrome. Last evaluated: 2022-11-22. Review status: criteria provided, single submitter. Criteria: ACMG Guidelines, 2015. Collection method: clinical testing. Allele origin: germline.

CeGaT Center for Human Genetics Tuebingen
Classification: Likely benign. Last evaluated: 2022-02-01. Review status: criteria provided, single submitter. Criteria: CeGaT Center For Human Genetics Tuebingen Variant Classification Criteria Version 2. Collection method: clinical testing. Allele origin: germline. Affected: yes. Observed: 1 variant allele.

Fulgent Genetics
Classification: Likely benign for Endometrial carcinoma; Lynch syndrome 5; Mismatch repair cancer syndrome 3. Last evaluated: 2021-10-26. Review status: criteria provided, single submitter. Criteria: ACMG Guidelines, 2015. Collection method: clinical testing. Allele origin: unknown.

Mendelics
Classification: Likely benign for Lynch syndrome 5. Last evaluated: 2019-05-28. Review status: criteria provided, single submitter. Criteria: Mendelics Assertion Criteria 2017. Collection method: clinical testing. Allele origin: unknown.

Women's Health and Genetics/Laboratory Corporation of America, LabCorp
Classification: Benign. Last evaluated: 2018-06-07. Review status: criteria provided, single submitter. Criteria: LabCorp Variant Classification Summary - May 2015. Collection method: clinical testing. Allele origin: germline.
Comment: Variant summary: MSH6 c.4001+12_4001+15dupACTA alters a nucleotide located in the intronic region that is not widely known to affect splicing. 5/5 computational tools predict no significant impact on normal splicing. However, these predictions have yet to be confirmed by functional studies. The variant allele was found at a frequency of 0.00028 in 270198 control chromosomes. The observed variant frequency is approximately 2 fold above the estimated maximal expected allele frequency for a pathogenic variant in MSH6 causing Lynch Syndrome phenotype (0.00014), strongly suggesting that the variant is benign. To our knowledge, no occurrence of c.4001+12_4001+15dupACTA in individuals affected with Lynch Syndrome and no experimental evidence demonstrating its impact on protein function have been reported. Multiple clinical diagnostic laboratories have submitted clinical-significance assessments for this variant to ClinVar without evidence for independent evaluation. All laboratories classified the variant as benign/likely benign. Based on the evidence outlined above, the variant was classified as benign.

GeneDx
Classification: Benign. Last evaluated: 2015-03-03. Review status: criteria provided, single submitter. Criteria: GeneDx Variant Classification Process June 2021. Collection method: clinical testing. Allele origin: germline. Affected: yes.

Color Diagnostics, LLC DBA Color Health
Classification: Likely benign for Hereditary cancer-predisposing syndrome. Last evaluated: 2014-12-29. Review status: criteria provided, single submitter. Criteria: ACMG Guidelines, 2015. Collection method: clinical testing. Allele origin: germline.

Ambry Genetics
Classification: Likely benign for Hereditary cancer-predisposing syndrome. Last evaluated: 2013-03-21. Review status: criteria provided, single submitter. Criteria: Ambry Autosomal Dominant and X-Linked criteria (10/2015). Collection method: clinical testing. Allele origin: germline. Observed: 1 variant allele.

PreventionGenetics, part of Exact Sciences
Classification: Likely benign for MSH6-related condition. Last evaluated: 2021-12-08. Review status: no assertion criteria provided. Collection method: clinical testing. Allele origin: germline. Not counted in ClinVar's aggregate classification.
Comment: This variant is classified as likely benign based on ACMG/AMP sequence variant interpretation guidelines (Richards et al. 2015 PMID: 25741868, with internal and published modifications).

Counsyl
Classification: Likely benign for Lynch syndrome 5. Last evaluated: 2016-09-07. Review status: no assertion criteria provided. Collection method: clinical testing. Allele origin: unknown. Not counted in ClinVar's aggregate classification.

Clinical Genetics DNA and cytogenetics Diagnostics Lab, Erasmus MC, Erasmus Medical Center
Classification: Benign. Review status: no assertion criteria provided. Collection method: clinical testing. Allele origin: germline. Affected: yes. Study: VKGL Data-share Consensus. Not counted in ClinVar's aggregate classification.

Department of Pathology and Laboratory Medicine, Sinai Health System
Classification: Likely benign for Malignant tumor of breast. Review status: no assertion criteria provided. Collection method: clinical testing. Allele origin: unknown. Affected: yes. Observed: 1 variant allele. Study: The Canadian Open Genetics Repository (COGR). Not counted in ClinVar's aggregate classification.
Comment: The MSH6 c.4001+12_4001+15dupACTA variant was identified in 1 of 1500 proband chromosomes (frequency: 0.00066) from individuals or families with CRC and was identified as non-pathogenic variant (Woods 2010). The variant was also identified in dbSNP (ID: rs587782538) as â€šÃ„ÃºWith other alleleâ€šÃ„Ã¹, ClinVar (4x, as benign by GeneDx, as likely benign by Ambry, Invitae and Counsyl), Clinvitae (3x, as likely benign), Insight Colon Cancer Gene Variant Database (3x, as Class 3), Insight Hereditary Tumors Database (3x), databases. The variant was not identified in GeneInsight-COGR, MutDB, UMD-LSDB, Zhejiang Colon Cancer Database, Mismatch Repair Genes Variant Database, databases. The variant was identified in control databases in 75 of 270198 chromosomes at a frequency of 0.00028 in the following populations: African in 17 of 23654 chromosomes (freq. 0.0007), Latino in 13 of 34140 chromosomes (freq. 0.00038), European in 35 of 123578 chromosomes (freq. 0.00028), East Asian in 5 of 1860 chromosomes (freq. 0.00026), and other in 1 of 6346 chromosomes (freq. 0.00015), Ashkenazi Jewish in 1 of 10042 chromosomes (freq. 0.0001), South Asian in 3 of 30528 chromosomes (freq. 0.0001), increasing the likelihood that this may be a low frequency benign variant in certain populations of origin (Genome Aggregation Consortium Feb 27, 2017. The variant occurs outside of the splicing consensus sequence and in silico or computational prediction software programs (SpliceSiteFinder, MaxEntScan, NNSPLICE, GeneSplicer, HumanSpliceFinder) do not predict a difference in splicing. This variant is classified as likely benign.

Diagnostic Laboratory, Department of Genetics, University Medical Center Groningen
Classification: Likely benign. Review status: no assertion criteria provided. Collection method: clinical testing. Allele origin: germline. Affected: yes. Study: VKGL Data-share Consensus. Not counted in ClinVar's aggregate classification.

Genome Diagnostics Laboratory, Amsterdam University Medical Center
Classification: Likely benign. Review status: no assertion criteria provided. Collection method: clinical testing. Allele origin: germline. Affected: yes. Study: VKGL Data-share Consensus. Not counted in ClinVar's aggregate classification.

Literature cited by the submitters: PubMed 20682701 (cited by Counsyl).

NM_000179.3(MSH6):c.4001+2TAAC[4]

Gene: MSH6 (mutS homolog 6; plus strand). Cytogenetic location: 2p16.3.
Variant type: Microsatellite.
Coding change: c.4001+2TAAC[4] on transcript NM_000179.3 (MANE Select); four copies in a row of the 4-base unit TAAC starting at c.4001+2.
Molecular consequence: splice donor variant.
Genome position: GRCh38 VCF-style: chr2-47806652-G-GTAAC. GRCh37 (hg19) VCF-style: chr2-48033791-G-GTAAC.
Other names: c.4001+12_4001+15dupACTA (NM_000179.2, NM_000179.3); c.3095+2TAAC[4] (NM_001281493.2, NM_001281494.2); c.3611+2TAAC[4] (NM_001281492.2); c.4001+12_4001+15dup (NM_000179.3, NM_000179.2).
Identifiers: ClinVar variation 182672 (VCV000182672.69), dbSNP rs267608132, ClinGen allele CA015114.
Genomic context (GRCh38, chr2:47,806,652, plus strand): 5'-AAAGGGACATAGAAAAGCAAGAGAATTTGAGAAGATGAATCAGTCACTACGATTATTTCG[G>GTAAC]TAACTAACTAACTATAATGGAATTATAACTAACTGACCTTAAGTTTCAAAGAAACAGTAA-3'